The following is an entry in ClinVar:

NM_000548.5(TSC2):c.65G>C (p.Gly22Ala)

Gene: TSC2 (TSC complex subunit 2; plus strand). Cytogenetic location: 16p13.3.
Variant type: single nucleotide variant.
Coding change: c.65G>C on transcript NM_000548.5 (MANE Select); coding-DNA position 65, G replaced by C.
Protein change: p.Gly22Ala; replaces glycine 22 with alanine.
Molecular consequence: missense variant. On other transcripts: 5 prime UTR variant (1), intron variant (1).
Genome position (GRCh38, 1-based): chr16:2,048,680, G>C. VCF-style: chr16-2048680-G-C. GRCh37 (hg19) VCF-style: chr16-2098681-G-C.
Other names: c.65G>C (NM_000548.3); c.65G>C, p.Gly22Ala (NM_001077183.3, NM_001114382.3, NM_001318827.2 and 4 more transcripts); c.-162G>C (NM_001318831.2); c.98G>C, p.Gly33Ala (NM_001318832.2); c.-10+615G>C (NM_001318829.2); short protein forms G22A, G33A.
Identifiers: ClinVar variation 1020511 (VCV001020511.9), dbSNP rs2084676497, ClinGen allele CA394301171.

ClinVar aggregate classification (germline): Uncertain significance. Review status: criteria provided, multiple submitters, no conflicts (2 of 4 stars). 2 submissions from 2 submitters: Uncertain significance (2). Last evaluated 2025-12-04.

Conditions:
Tuberous sclerosis 2 (TSC2). Identifiers: Orphanet 805, MedGen C1860707, MONDO:0013199, OMIM 613254.
Hereditary cancer-predisposing syndrome. Also called: Hereditary neoplastic syndrome; Neoplastic Syndromes, Hereditary; Tumor predisposition; Hereditary Cancer Syndrome. Identifiers: Orphanet 140162, MedGen C0027672, MeSH D009386, MONDO:0015356.

Submissions (2):

Ambry Genetics
Classification: Uncertain significance for Hereditary cancer-predisposing syndrome. Last evaluated: 2025-12-04. Review status: criteria provided, single submitter. Criteria: Ambry Variant Classification Scheme 2023. Collection method: clinical testing. Allele origin: germline.
Comment: The p.G22A variant (also known as c.65G>C), located in coding exon 1 of the TSC2 gene, results from a G to C substitution at nucleotide position 65. The glycine at codon 22 is replaced by alanine, an amino acid with similar properties. This amino acid position is well conserved in available vertebrate species. In addition, this alteration is predicted to be tolerated by in silico analysis. Based on the available evidence, the clinical significance of this variant remains unclear.

Labcorp Genetics (formerly Invitae), Labcorp
Classification: Uncertain significance for Tuberous sclerosis 2. Last evaluated: 2020-10-20. Review status: criteria provided, single submitter. Criteria: Invitae Variant Classification Sherloc (09022015). Collection method: clinical testing. Allele origin: germline.
Comment: In summary, the available evidence is currently insufficient to determine the role of this variant in disease. Therefore, it has been classified as a Variant of Uncertain Significance. Algorithms developed to predict the effect of missense changes on protein structure and function (SIFT, PolyPhen-2, Align-GVGD) all suggest that this variant is likely to be tolerated, but these predictions have not been confirmed by published functional studies and their clinical significance is uncertain. This variant has not been reported in the literature in individuals with TSC2-related conditions. This variant is not present in population databases (ExAC no frequency). This sequence change replaces glycine with alanine at codon 22 of the TSC2 protein (p.Gly22Ala). The glycine residue is moderately conserved and there is a small physicochemical difference between glycine and alanine.